The following is an entry in ClinVar:

NM_000455.5(STK11):c.343G>A (p.Asp115Asn)

Gene: STK11 (serine/threonine kinase 11; plus strand). Cytogenetic location: 19p13.3.
Variant type: single nucleotide variant.
Coding change: c.343G>A on transcript NM_000455.5 (MANE Select); coding-DNA position 343, G replaced by A.
Protein change: p.Asp115Asn; replaces aspartic acid 115 with asparagine.
Molecular consequence: missense variant.
Genome position (GRCh38, 1-based): chr19:1,218,469, G>A. VCF-style: chr19-1218469-G-A. GRCh37 (hg19) VCF-style: chr19-1218468-G-A.
Other names: c.343G>A (NM_000455.4); short protein forms D115N.
Identifiers: ClinVar variation 1056981 (VCV001056981.10), dbSNP rs2145420735, ClinGen allele CA402947785.
Genomic context (GRCh38, chr19:1,218,469, plus strand): 5'-TGTCCCAGGGAAATTCAACTACTGAGGAGGTTACGGCACAAAAATGTCATCCAGCTGGTG[G>A]ATGTGTTATACAACGAAGAGAAGCAGAAAATATATCCTTTCCGGTGTTGGGACCGCGGGG-3'
Protein context (NP_000446.1, residues 105-125): LRHKNVIQLV[Asp115Asn]VLYNEEKQKM

ClinVar aggregate classification (germline): Uncertain significance. Review status: criteria provided, multiple submitters, no conflicts (2 of 4 stars). 2 submissions from 2 submitters: Uncertain significance (2). Last evaluated 2026-06-15.

Conditions:
Peutz-Jeghers syndrome (PJS). Also called: POLYPOSIS, HAMARTOMATOUS INTESTINAL; POLYPS-AND-SPOTS SYNDROME; Peutz-Jeghers polyposis; Periorificial lentiginosis syndrome. Identifiers: Orphanet 2869, MedGen C0031269, MeSH D010580, MONDO:0008280, OMIM 175200.
Hereditary cancer-predisposing syndrome. Also called: Tumor predisposition; Hereditary Cancer Syndrome; Hereditary neoplastic syndrome; Neoplastic Syndromes, Hereditary. Identifiers: Orphanet 140162, MedGen C0027672, MeSH D009386, MONDO:0015356.

Submissions (2):

Ambry Genetics
Classification: Uncertain significance for Hereditary cancer-predisposing syndrome. Last evaluated: 2026-06-15. Review status: criteria provided, single submitter. Criteria: Ambry Variant Classification Scheme 2023. Collection method: clinical testing. Allele origin: germline.
Comment: The p.D115N variant (also known as c.343G>A), located in coding exon 2 of the STK11 gene, results from a G to A substitution at nucleotide position 343. The aspartic acid at codon 115 is replaced by asparagine, an amino acid with highly similar properties. This amino acid position is conserved. In addition, the in silico prediction for this alteration is inconclusive. Based on the available evidence, the clinical significance of this variant remains unclear.

Labcorp Genetics (formerly Invitae), Labcorp
Classification: Uncertain significance for Peutz-Jeghers syndrome. Last evaluated: 2025-11-24. Review status: criteria provided, single submitter. Criteria: Invitae Variant Classification Sherloc (09022015). Collection method: clinical testing. Allele origin: germline.
Comment: This sequence change replaces aspartic acid, which is acidic and polar, with asparagine, which is neutral and polar, at codon 115 of the STK11 protein (p.Asp115Asn). This variant is not present in population databases (gnomAD no frequency). This variant has not been reported in the literature in individuals affected with STK11-related conditions. ClinVar contains an entry for this variant (Variation ID: 1056981). Invitae Evidence Modeling of protein sequence and biophysical properties (such as structural, functional, and spatial information, amino acid conservation, physicochemical variation, residue mobility, and thermodynamic stability) has been performed for this missense variant. However, the output from this modeling did not meet the statistical confidence thresholds required to predict the impact of this variant on STK11 protein function. In summary, the available evidence is currently insufficient to determine the role of this variant in disease. Therefore, it has been classified as a Variant of Uncertain Significance.